The following is an entry in ClinVar:

NM_022168.4(IFIH1):c.1525C>T (p.Leu509=)

Gene: IFIH1 (interferon induced with helicase C domain 1; minus strand). Cytogenetic location: 2q24.2.
Variant type: single nucleotide variant.
Coding change: c.1525C>T on transcript NM_022168.4 (MANE Select); coding-DNA position 1525, C replaced by T.
Protein change: p.Leu509=; no amino-acid change (leucine 509 retained).
Molecular consequence: synonymous variant.
Genome position (GRCh38, 1-based): chr2:162,280,112, G>A on the plus strand (C>T on the coding strand, the complement: IFIH1 is on the minus strand). VCF-style: chr2-162280112-G-A. GRCh37 (hg19) VCF-style: chr2-163136622-G-A.
Other names: c.1525C>T (NM_022168.2).
Identifiers: ClinVar variation 1489881 (VCV001489881.9), dbSNP rs2105200537, ClinGen allele CA429535365.

ClinVar aggregate classification (germline): Conflicting classifications of pathogenicity. Review status: criteria provided, conflicting classifications (1 of 4 stars). 2 submissions from 2 submitters: Uncertain significance (1); Likely benign (1). Last evaluated 2025-09-28.

Conditions:
Inborn genetic diseases. Identifiers: MedGen C0950123, MeSH D030342.
Singleton-Merten syndrome 1 (SGMRT1). Also called: Widened medullary cavities of bone, aortic calcification, abnormal dentition, and muscular weakness; Syndrome of widened medullary cavities of the metacarpals and phalanges, aortic calcification and abnormal dentition. Identifiers: Orphanet 85191, MedGen C4225427, MONDO:0024535, OMIM 182250.
Aicardi-Goutieres syndrome 7 (AGS7). Identifiers: Orphanet 51, MedGen C3888244, MONDO:0014367, OMIM 615846.

Submissions (2):

Ambry Genetics
Classification: Likely benign for Inborn genetic diseases. Last evaluated: 2025-09-28. Review status: criteria provided, single submitter. Criteria: Ambry Variant Classification Scheme 2023. Collection method: clinical testing. Allele origin: germline.

Labcorp Genetics (formerly Invitae), Labcorp
Classification: Uncertain significance for Aicardi-Goutieres syndrome 7; Singleton-Merten syndrome 1. Last evaluated: 2022-02-03. Review status: criteria provided, single submitter. Criteria: Invitae Variant Classification Sherloc (09022015). Collection method: clinical testing. Allele origin: germline.
Comment: In summary, the available evidence is currently insufficient to determine the role of this variant in disease. Therefore, it has been classified as a Variant of Uncertain Significance. This sequence change affects codon 509 of the IFIH1 mRNA. It is a 'silent' change, meaning that it does not change the encoded amino acid sequence of the IFIH1 protein. It affects a nucleotide within the consensus splice site. This variant is not present in population databases (gnomAD no frequency). This variant has not been reported in the literature in individuals affected with IFIH1-related conditions. Algorithms developed to predict the effect of sequence changes on RNA splicing suggest that this variant is not likely to affect RNA splicing.